The following is an entry in ClinVar:

ClinVar aggregate classification (germline): Uncertain significance. Review status: criteria provided, multiple submitters, no conflicts (2 of 4 stars). 2 submissions from 2 submitters: Uncertain significance (2). Last evaluated 2025-08-20.

Conditions:
Inborn genetic diseases. Identifiers: MedGen C0950123, MeSH D030342.

Submissions (2):

Ambry Genetics
Classification: Uncertain significance for Inborn genetic diseases. Last evaluated: 2025-08-20. Review status: criteria provided, single submitter. Criteria: Ambry Variant Classification Scheme 2023. Collection method: clinical testing. Allele origin: germline.
Comment: The p.K1322E variant (also known as c.3964A>G), located in coding exon 1 of the SAMD9 gene, results from an A to G substitution at nucleotide position 3964. The lysine at codon 1322 is replaced by glutamic acid, an amino acid with similar properties. This amino acid position is conserved. In addition, this alteration is predicted to be tolerated by in silico analysis. Based on the available evidence, the clinical significance of this variant remains unclear.

Labcorp Genetics (formerly Invitae), Labcorp
Classification: Uncertain significance. Last evaluated: 2023-07-27. Review status: criteria provided, single submitter. Criteria: Invitae Variant Classification Sherloc (09022015). Collection method: clinical testing. Allele origin: germline.
Comment: Advanced modeling of protein sequence and biophysical properties (such as structural, functional, and spatial information, amino acid conservation, physicochemical variation, residue mobility, and thermodynamic stability) performed at Invitae indicates that this missense variant is not expected to disrupt SAMD9 protein function. In summary, the available evidence is currently insufficient to determine the role of this variant in disease. Therefore, it has been classified as a Variant of Uncertain Significance. This variant has not been reported in the literature in individuals affected with SAMD9-related conditions. This variant is not present in population databases (gnomAD no frequency). This sequence change replaces lysine, which is basic and polar, with glutamic acid, which is acidic and polar, at codon 1322 of the SAMD9 protein (p.Lys1322Glu).

NM_017654.4(SAMD9):c.3964A>G (p.Lys1322Glu)

Gene: SAMD9 (sterile alpha motif domain containing 9; minus strand). Cytogenetic location: 7q21.2.
Variant type: single nucleotide variant.
Coding change: c.3964A>G on transcript NM_017654.4 (MANE Select); coding-DNA position 3964, A replaced by G.
Protein change: p.Lys1322Glu; replaces lysine 1322 with glutamic acid.
Molecular consequence: missense variant.
Genome position (GRCh38, 1-based): chr7:93,102,134, T>C on the plus strand (A>G on the coding strand, the complement: SAMD9 is on the minus strand). VCF-style: chr7-93102134-T-C. GRCh37 (hg19) VCF-style: chr7-92731447-T-C.
Other names: c.3964A>G, p.Lys1322Glu (NM_001193307.2); c.3964A>G (NM_017654.3); short protein forms K1322E.
Identifiers: ClinVar variation 2985837 (VCV002985837.4), dbSNP rs2535354348, ClinGen allele CA368181524.
Genomic context (GRCh38, chr7:93,102,134, plus strand): 5'-CTGCTTTTAAAGCTACTAGGTTTCTCCTGCATCTCTCTACTTGAAGTGGCTCACTGAACT[T>C]TGATCCAAGACCTGTGTTGTTTTGTGATTCTTCTAAGAGACAAAATATATCTACATATTT-3'
Protein context (NP_060124.2, residues 1312-1332): ESQNNTGLGS[Lys1322Glu]FSEPLQVERC